The following is an entry in ClinVar:

NM_004453.4(ETFDH):c.155A>T (p.Asp52Val)

Gene: ETFDH (electron transfer flavoprotein dehydrogenase; plus strand). Cytogenetic location: 4q32.1.
Variant type: single nucleotide variant.
Coding change: c.155A>T on transcript NM_004453.4 (MANE Select); coding-DNA position 155, A replaced by T.
Protein change: p.Asp52Val; replaces aspartic acid 52 with valine.
Molecular consequence: missense variant. On other transcripts: intron variant (1).
Genome position (GRCh38, 1-based): chr4:158,680,587, A>T. VCF-style: chr4-158680587-A-T. GRCh37 (hg19) VCF-style: chr4-159601739-A-T.
Other names: c.35-1608A>T (NM_001281737.2); short protein forms D52V.
Identifiers: ClinVar variation 3233756 (VCV003233756.2), dbSNP rs2479076325, ClinGen allele CA358573544.

ClinVar aggregate classification (germline): Uncertain significance (1 of 4 stars; one submission).

Submission:

Women's Health and Genetics/Laboratory Corporation of America, LabCorp
Classification: Uncertain significance. Last evaluated: 2024-03-26. Review status: criteria provided, single submitter. Criteria: LabCorp Variant Classification Summary - May 2015. Collection method: clinical testing. Allele origin: germline.
Comment: Variant summary: ETFDH c.155A>T (p.Asp52Val) results in a non-conservative amino acid change in the encoded protein sequence. Three of five in-silico tools predict a damaging effect of the variant on protein function. The variant was absent in 251314 control chromosomes. The available data on variant occurrences in the general population are insufficient to allow any conclusion about variant significance. c.155A>T has been reported in the literature in an compound heterozygous individual affected with late onset Glutaric Aciduria, Type 2c (Eskell_2022). These data do not allow any conclusion about variant significance. To our knowledge, no experimental evidence demonstrating an impact on protein function has been reported. The following publication have been ascertained in the context of this evaluation (PMID: 36369806). No submitters have cited clinical-significance assessments for this variant to ClinVar. Based on the evidence outlined above, the variant was classified as uncertain significance.

Literature cited by the submitters: PubMed 36369806.